The following is an entry in ClinVar:

ClinVar aggregate classification (germline): Uncertain significance (1 of 4 stars; one submission).

Conditions:
Hypertrophic cardiomyopathy. Also called: HYPERTROPHIC MYOCARDIOPATHY. Identifiers: Orphanet 217569, MedGen C0007194, MeSH D002312, MONDO:0005045, HP:0001639.

Submission:

Labcorp Genetics (formerly Invitae), Labcorp
Classification: Uncertain significance for Hypertrophic cardiomyopathy. Last evaluated: 2023-05-01. Review status: criteria provided, single submitter. Criteria: Invitae Variant Classification Sherloc (09022015). Collection method: clinical testing. Allele origin: germline.
Comment: This variant is not present in population databases (gnomAD no frequency). This sequence change replaces aspartic acid, which is acidic and polar, with valine, which is neutral and non-polar, at codon 886 of the MYH7 protein (p.Asp886Val). This variant has not been reported in the literature in individuals affected with MYH7-related conditions. Advanced modeling of protein sequence and biophysical properties (such as structural, functional, and spatial information, amino acid conservation, physicochemical variation, residue mobility, and thermodynamic stability) performed at Invitae indicates that this missense variant is expected to disrupt MYH7 protein function. In summary, the available evidence is currently insufficient to determine the role of this variant in disease. Therefore, it has been classified as a Variant of Uncertain Significance.

NM_000257.4(MYH7):c.2657A>T (p.Asp886Val)

Genes: MYH7 (myosin heavy chain 7; minus strand), LOC126861898 (BRD4-independent group 4 enhancer GRCh37_chr14:23893609-23894808; plus strand). Cytogenetic location: 14q11.2.
Variant type: single nucleotide variant.
Coding change: c.2657A>T on transcript NM_000257.4 (MANE Select); coding-DNA position 2657, A replaced by T.
Protein change: p.Asp886Val; replaces aspartic acid 886 with valine.
Molecular consequence: missense variant.
Genome position (GRCh38, 1-based): chr14:23,424,791, T>A on the plus strand (A>T on the coding strand, the complement: MYH7 is on the minus strand). VCF-style: chr14-23424791-T-A. GRCh37 (hg19) VCF-style: chr14-23894000-T-A.
Other names: c.2657A>T, p.Asp886Val (NM_001407004.1); short protein forms D886V.
Identifiers: ClinVar variation 2820860 (VCV002820860.3), dbSNP rs2502282991, ClinGen allele CA389047863.